The following is an entry in ClinVar:

ClinVar aggregate classification (germline): Uncertain significance. Review status: criteria provided, multiple submitters, no conflicts (2 of 4 stars). 2 submissions from 2 submitters: Uncertain significance (2). Last evaluated 2024-03-07.

Allele frequency attached by ClinVar (database versions not stated): gnomAD 0.00001 and 0.00002.

Submissions (2):

Blueprint Genetics
Classification: Uncertain significance. Last evaluated: 2024-03-07. Review status: criteria provided, single submitter. Criteria: ACMG Guidelines, 2015. Collection method: clinical testing. Allele origin: germline.

Labcorp Genetics (formerly Invitae), Labcorp
Classification: Uncertain significance. Last evaluated: 2021-10-10. Review status: criteria provided, single submitter. Criteria: Invitae Variant Classification Sherloc (09022015). Collection method: clinical testing. Allele origin: germline.
Comment: This sequence change replaces serine with leucine at codon 569 of the GPR179 protein (p.Ser569Leu). The serine residue is highly conserved and there is a large physicochemical difference between serine and leucine. This variant is not present in population databases (ExAC no frequency). This variant has not been reported in the literature in individuals affected with GPR179-related conditions. Algorithms developed to predict the effect of missense changes on protein structure and function (SIFT, PolyPhen-2, Align-GVGD) all suggest that this variant is likely to be disruptive. In summary, the available evidence is currently insufficient to determine the role of this variant in disease. Therefore, it has been classified as a Variant of Uncertain Significance.

NM_001004334.4(GPR179):c.1706C>T (p.Ser569Leu)

Gene: GPR179 (G protein-coupled receptor 179; minus strand). Cytogenetic location: 17q12.
Variant type: single nucleotide variant.
Coding change: c.1706C>T on transcript NM_001004334.4 (MANE Select); coding-DNA position 1706, C replaced by T.
Protein change: p.Ser569Leu; replaces serine 569 with leucine.
Molecular consequence: missense variant.
Genome position (GRCh38, 1-based): chr17:38,334,782, G>A on the plus strand (C>T on the coding strand, the complement: GPR179 is on the minus strand). VCF-style: chr17-38334782-G-A. GRCh37 (hg19) VCF-style: chr17-36490665-G-A.
Other names: short protein forms S569L.
Identifiers: ClinVar variation 1373373 (VCV001373373.4), dbSNP rs940957113, ClinGen allele CA290108480.